The following is an entry in ClinVar:

NM_001267550.2(TTN):c.102691G>A (p.Glu34231Lys)

Genes: TTN (titin; minus strand), TTN-AS1 (TTN antisense RNA 1; plus strand). Cytogenetic location: 2q31.2.
Variant type: single nucleotide variant.
Coding change: c.102691G>A on transcript NM_001267550.2 (MANE Select); coding-DNA position 102691, G replaced by A.
Protein change: p.Glu34231Lys; replaces glutamic acid 34231 with lysine.
Molecular consequence: missense variant.
Genome position (GRCh38, 1-based): chr2:178,533,924, C>T on the plus strand (G>A on the coding strand, the complement: TTN is on the minus strand). VCF-style: chr2-178533924-C-T. GRCh37 (hg19) VCF-style: chr2-179398651-C-T.
Other names: c.97768G>A, p.Glu32590Lys (NM_001256850.1); c.75496G>A, p.Glu25166Lys (NM_003319.4); c.94987G>A, p.Glu31663Lys (NM_133378.4); c.75871G>A, p.Glu25291Lys (NM_133432.3); c.76072G>A, p.Glu25358Lys (NM_133437.4); short protein forms E25166K, E25291K, E25358K, E31663K, E32590K, E34231K.
Identifiers: ClinVar variation 3778601 (VCV003778601.7).

ClinVar aggregate classification (germline): Uncertain significance (1 of 4 stars; one submission).

Submission:

CeGaT Center for Human Genetics Tuebingen
Classification: Uncertain significance. Last evaluated: 2025-03-01. Review status: criteria provided, single submitter. Criteria: CeGaT Center For Human Genetics Tuebingen Variant Classification Criteria Version 2. Collection method: clinical testing. Allele origin: germline. Affected: yes. Observed: 1 variant allele.
Comment: TTN: PM2